The following is an entry in ClinVar:

NM_006031.6(PCNT):c.234C>A (p.Thr78=)

Gene: PCNT (pericentrin; plus strand). Cytogenetic location: 21q22.3.
Variant type: single nucleotide variant.
Coding change: c.234C>A on transcript NM_006031.6 (MANE Select); coding-DNA position 234, C replaced by A.
Protein change: p.Thr78=; no amino-acid change (threonine 78 retained).
Molecular consequence: synonymous variant. On other transcripts: 5 prime UTR variant (1).
Genome position (GRCh38, 1-based): chr21:46,326,556, C>A. VCF-style: chr21-46326556-C-A. GRCh37 (hg19) VCF-style: chr21-47746470-C-A.
Other names: c.-121C>A (NM_001315529.2).
Identifiers: ClinVar variation 1924883 (VCV001924883.26), dbSNP rs777984322, ClinGen allele CA10078179.

ClinVar aggregate classification (germline): Likely benign. Review status: criteria provided, multiple submitters, no conflicts (2 of 4 stars). 2 submissions from 2 submitters: Likely benign (2). Last evaluated 2024-03-01.

Allele frequency attached by ClinVar (database versions not stated): gnomAD 0.00001; TOPMed 0.00001; ExAC 0.00002.
gnomAD v4.1: 63 of 1,613,930 alleles (0.0039%); highest among the groups gnomAD compares: Non-Finnish European, 0.0052%; no homozygotes.

Submissions (2):

CeGaT Center for Human Genetics Tuebingen
Classification: Likely benign. Last evaluated: 2024-03-01. Review status: criteria provided, single submitter. Criteria: CeGaT Center For Human Genetics Tuebingen Variant Classification Criteria Version 2. Collection method: clinical testing. Allele origin: germline. Affected: yes. Observed: 1 variant allele.
Comment: PCNT: BP4, BP7

Labcorp Genetics (formerly Invitae), Labcorp
Classification: Likely benign. Last evaluated: 2024-02-16. Review status: criteria provided, single submitter. Criteria: Invitae Variant Classification Sherloc (09022015). Collection method: clinical testing. Allele origin: germline.